The following is an entry in ClinVar:

NM_004360.5(CDH1):c.2295+45C>T

Gene: CDH1 (cadherin 1; plus strand). Cytogenetic location: 16q22.1.
Variant type: single nucleotide variant.
Coding change: c.2295+45C>T on transcript NM_004360.5 (MANE Select); 45 bases into the intron after coding-DNA position 2295, C replaced by T.
Molecular consequence: intron variant.
Genome position (GRCh38, 1-based): chr16:68,828,349, C>T. VCF-style: chr16-68828349-C-T. GRCh37 (hg19) VCF-style: chr16-68862252-C-T.
Other names: c.747+45C>T (NM_001317185.2); c.330+45C>T (NM_001317186.2); c.2112+45C>T (NM_001317184.2).
Identifiers: ClinVar variation 2502996 (VCV002502996.3), dbSNP rs747463968, ClinGen allele CA8130245.

ClinVar aggregate classification (germline): Conflicting classifications of pathogenicity. Review status: criteria provided, conflicting classifications (1 of 4 stars). 2 submissions from 2 submitters: Uncertain significance (1); Likely benign (1). Last evaluated 2025-03-04.

Conditions:
Hereditary diffuse gastric adenocarcinoma (HDGC). Also called: DIFFUSE GASTRIC AND LOBULAR BREAST CANCER SYNDROME. Identifiers: Orphanet 26106, MedGen C1708349, MONDO:0007648, OMIM 137215.

Allele frequency attached by ClinVar (database versions not stated): TOPMed 0.00001; ExAC 0.00002; gnomAD 0.00002.
gnomAD v4.1: 36 of 1,606,530 alleles (0.0022%); highest among the groups gnomAD compares: South Asian, 0.0055%; no homozygotes.

Submissions (2):

Center for Genomic Medicine, Rigshospitalet, Copenhagen University Hospital
Classification: Likely benign. Last evaluated: 2025-03-04. Review status: criteria provided, single submitter. Criteria: ACMG Guidelines, 2015. Collection method: clinical testing. Allele origin: germline.

European Reference Network on Genetic Tumour Risk Syndromes (ERN-GENTURIS), i3s - Instituto de Investigação e Inovação em Saúde, University of Porto
Classification: Uncertain significance for Hereditary diffuse gastric adenocarcinoma. Last evaluated: 2022-08-01. Review status: criteria provided, single submitter. Criteria: Lee et al. (Hum Mutat. 2018). Collection method: clinical testing. Allele origin: germline. Inheritance: Autosomal dominant inheritance. Affected: no. Study: ERN GENTURIS.
Comment: Not applicable criteria (PMID: 30311375)

Literature cited by the submitters: PubMed 36436516 (cited by European Reference Network on Genetic Tumour Risk Syndromes (ERN-GENTURIS), i3s - Instituto de Investigação e Inovação em Saúde, University of Porto).